The following is an entry in ClinVar:

ClinVar aggregate classification (germline): Conflicting classifications of pathogenicity. Review status: criteria provided, conflicting classifications (1 of 4 stars). 6 submissions from 6 submitters: Pathogenic (4); Uncertain significance (2). Last evaluated 2026-01-18.

Conditions:
GUCA1A-related disorders.
Retinal dystrophy. Also called: Inherited retinal dystrophy. Identifiers: Orphanet 71862, MedGen C0854723, MeSH D058499, MONDO:0019118, HP:0000556.
Cone dystrophy 3 (COD3). Also called: RETINAL CONE DYSTROPHY. Identifiers: Orphanet 1872, MedGen C1865869, MONDO:0011193, OMIM 602093.

Submissions (6):

Labcorp Genetics (formerly Invitae), Labcorp
Classification: Pathogenic. Last evaluated: 2026-01-18. Review status: criteria provided, single submitter. Criteria: Invitae Variant Classification Sherloc (09022015). Collection method: clinical testing. Allele origin: germline.
Comment: This sequence change replaces leucine, which is neutral and non-polar, with phenylalanine, which is neutral and non-polar, at codon 176 of the GUCA1A protein (p.Leu176Phe). This variant is not present in population databases (gnomAD no frequency). This missense change has been observed in individual(s) with macular dystrophy/cone dystrophy (PMID: 26766544, 28025326). It has also been observed to segregate with disease in related individuals. ClinVar contains an entry for this variant (Variation ID: 198078). An algorithm developed to predict the effect of missense changes on protein structure and function (PolyPhen-2) suggests that this variant is likely to be disruptive. Experimental studies have shown that this missense change affects GUCA1A function (PMID: 28025326). For these reasons, this variant has been classified as Pathogenic.

Blueprint Genetics
Classification: Pathogenic for GUCA1A-related disorders. Last evaluated: 2021-03-11. Review status: criteria provided, single submitter. Criteria: ACMG Guidelines, 2015. Collection method: clinical testing. Allele origin: germline. Affected: yes. Observed: 4 variant alleles.

SIB Swiss Institute of Bioinformatics
Classification: Uncertain significance for Cone dystrophy 3. Last evaluated: 2020-06-05. Review status: criteria provided, single submitter. Criteria: ACMG Guidelines, 2015. Collection method: curation. Allele origin: unknown.
Comment: This variant is interpreted as a variant of uncertain significance for macular dystrophy, autosomal dominant. The following ACMG Tag(s) were applied: Absent from controls (or at extremely low frequency if recessive) in Exome Sequencing Project, 1000 Genomes Project, or Exome Aggregation Consortium (PM2); Prevalence in affected individuals statistically increased over controls (PS4 downgraded to supporting); Cosegregation with disease in multiple affected family members in a gene definitively known to cause the disease (PP1); Well-established functional studies show a deleterious effect (PS3 downgraded to supporting).

Institute of Human Genetics, Univ. Regensburg, Univ. Regensburg
Classification: Pathogenic for Retinal dystrophy. Last evaluated: 2020-01-01. Review status: criteria provided, single submitter. Criteria: ACMG Guidelines, 2015. Collection method: clinical testing. Allele origin: germline. Affected: yes.

CeGaT Center for Human Genetics Tuebingen
Classification: Pathogenic. Last evaluated: 2018-08-01. Review status: criteria provided, single submitter. Criteria: CeGaT Center For Human Genetics Tuebingen Variant Classification Criteria Version 2. Collection method: clinical testing. Allele origin: germline. Affected: yes. Observed: 1 variant allele.

Eurofins Ntd Llc (ga)
Classification: Uncertain significance. Last evaluated: 2014-06-04. Review status: criteria provided, single submitter. Criteria: EGL Classification Definitions 2015. Collection method: clinical testing. Allele origin: germline. Observed: 1 variant allele, 1 heterozygote.

Literature cited by the submitters: PubMed 26766544 (cited by Labcorp Genetics (formerly Invitae), Labcorp and Institute of Human Genetics, Univ. Regensburg, Univ. Regensburg); PubMed 28025326 (cited by 3 submitters); PubMed 29555955 (cited by Institute of Human Genetics, Univ. Regensburg, Univ. Regensburg); PubMed 32531858 (cited by Institute of Human Genetics, Univ. Regensburg, Univ. Regensburg).

NM_001384910.1(GUCA1A):c.526C>T (p.Leu176Phe)

Genes: GUCA1ANB-GUCA1A (GUCA1ANB-GUCA1A readthrough; plus strand), GUCA1A (guanylate cyclase activator 1A; plus strand). Cytogenetic location: 6p21.1.
Variant type: single nucleotide variant.
Coding change: c.526C>T on transcript NM_001384910.1 (MANE Select); coding-DNA position 526, C replaced by T.
Protein change: p.Leu176Phe; replaces leucine 176 with phenylalanine.
Molecular consequence: missense variant.
Genome position (GRCh38, 1-based): chr6:42,179,323, C>T. VCF-style: chr6-42179323-C-T. GRCh37 (hg19) VCF-style: chr6-42147061-C-T.
Other names: c.526C>T, p.Leu176Phe (NM_000409.5, NM_001319061.2, NM_001319062.2); short protein forms L176F.
Identifiers: ClinVar variation 198078 (VCV000198078.46), dbSNP rs794727777, ClinGen allele CA246568.